The following is an entry in ClinVar:

ClinVar aggregate classification (germline): Pathogenic (1 of 4 stars; one submission).

Conditions:
Arrhythmogenic right ventricular dysplasia 9 (ARVD9). Also called: ARRHYTHMOGENIC RIGHT VENTRICULAR DYSPLASIA, FAMILIAL, 9; Arrhythmogenic Right Ventricular Dysplasia/Cardiomyopathy 9. Identifiers: MedGen C1836906, MONDO:0012180, OMIM 609040.

Submission:

Labcorp Genetics (formerly Invitae), Labcorp
Classification: Pathogenic for Arrhythmogenic right ventricular dysplasia 9. Last evaluated: 2021-01-05. Review status: criteria provided, single submitter. Criteria: Invitae Variant Classification Sherloc (09022015). Collection method: clinical testing. Allele origin: germline.
Comment: For these reasons, this variant has been classified as Pathogenic. This variant has not been reported in the literature in individuals with PKP2-related conditions. This variant is not present in population databases (ExAC no frequency). This sequence change creates a premature translational stop signal (p.Arg101Glufs*13) in the PKP2 gene. It is expected to result in an absent or disrupted protein product. Loss-of-function variants in PKP2 are known to be pathogenic (PMID: 15489853, 23911551).

Literature cited by the submitters: PubMed 15489853; PubMed 23911551.

NM_001005242.3(PKP2):c.296_300dup (p.Arg101fs)

Gene: PKP2 (plakophilin 2; minus strand). Cytogenetic location: 12p11.21.
Variant type: Duplication.
Coding change: c.296_300dup on transcript NM_001005242.3 (MANE Select); coding-DNA positions 296 to 300, 5 bases duplicated (GAGGC; older notation c.296_300dupGAGGC).
Protein change: p.Arg101fs; shifts the reading frame from arginine 101.
Molecular consequence: frameshift variant.
Genome position (GRCh38, 1-based): chr12:32,878,956-32,878,960, GCCTC duplicated on the plus strand (GAGGC on the coding strand, the reverse complement: PKP2 is on the minus strand). VCF-style (leftmost placement, unchanged base first): chr12-32878955-G-GGCCTC. GRCh37 (hg19) VCF-style: chr12-33031889-G-GGCCTC.
Other names: c.296_300dup, p.Arg101fs (NM_004572.4); short protein forms R101fs.
Identifiers: ClinVar variation 1454572 (VCV001454572.6), dbSNP rs2137952811, ClinGen allele CA2573148528.